The following is an entry in ClinVar:

NM_001365999.1(SZT2):c.8916+4A>C

Gene: SZT2 (SZT2 subunit of KICSTOR complex; plus strand). Cytogenetic location: 1p34.2.
Variant type: single nucleotide variant.
Coding change: c.8916+4A>C on transcript NM_001365999.1 (MANE Select); 4 bases into the intron after coding-DNA position 8916, A replaced by C.
Molecular consequence: intron variant.
Genome position (GRCh38, 1-based): chr1:43,445,988, A>C. VCF-style: chr1-43445988-A-C. GRCh37 (hg19) VCF-style: chr1-43911659-A-C.
Other names: c.8745+4A>C (NM_015284.4).
Identifiers: ClinVar variation 1722768 (VCV001722768.2), dbSNP rs2545862304, ClinGen allele CA2580062826.

ClinVar aggregate classification (germline): Uncertain significance (1 of 4 stars; one submission).

Submission:

GeneDx
Classification: Uncertain significance. Last evaluated: 2022-04-27. Review status: criteria provided, single submitter. Criteria: GeneDx Variant Classification Process June 2021. Collection method: clinical testing. Allele origin: germline. Affected: yes.
Comment: Has not been previously published as pathogenic or benign to our knowledge; Not observed at significant frequency in large population cohorts (gnomAD); In silico analysis, which includes splice predictors and evolutionary conservation, suggests this variant may impact gene splicing. In the absence of RNA/functional studies, the actual effect of this sequence change is unknown.